The following is an entry in ClinVar:

NM_004086.3(COCH):c.1159C>T (p.Leu387Phe)

Genes: COCH (cochlin; plus strand), COCH-AS1 (COCH antisense RNA 1; minus strand). Cytogenetic location: 14q12.
Variant type: single nucleotide variant.
Coding change: c.1159C>T on transcript NM_004086.3 (MANE Select); coding-DNA position 1159, C replaced by T.
Protein change: p.Leu387Phe; replaces leucine 387 with phenylalanine.
Molecular consequence: missense variant. On other transcripts: non-coding transcript variant (1).
Genome position (GRCh38, 1-based): chr14:30,885,994, C>T. VCF-style: chr14-30885994-C-T. GRCh37 (hg19) VCF-style: chr14-31355200-C-T.
Other names: c.1159C>T, p.Leu387Phe (NM_001135058.2); c.1354C>T, p.Leu452Phe (NM_001347720.2); short protein forms L387F, L452F.
Identifiers: ClinVar variation 236036 (VCV000236036.1), dbSNP rs878853226, ClinGen allele CA10581510.
Genomic context (GRCh38, chr14:30,885,994, plus strand): 5'-AACATTGCCTTTCTAATTGATGGCTCCAGCAGTGTTGGAGATAGCAATTTCCGCCTCATG[C>T]TTGAATTTGTTTCCAACATAGCCAAGACTTTTGAAATCTCGGACATTGGTGCCAAGATAG-3'
Protein context (NP_004077.1, residues 377-397): SVGDSNFRLM[Leu387Phe]EFVSNIAKTF

ClinVar aggregate classification (germline): Pathogenic (0 of 4 stars; one submission).

Conditions:
Autosomal dominant nonsyndromic hearing loss 9. Identifiers: Orphanet 90635, MedGen C1832425, MONDO:0011058, OMIM 601369.

Submission:

Laboratory of Prof. Karen Avraham, Tel Aviv University
Classification: Pathogenic for Autosomal dominant nonsyndromic hearing loss 9. Last evaluated: 2016-02-16. Review status: no assertion criteria provided. Collection method: research. Allele origin: germline. Affected: yes.
Comment: Late onset, progressive high-tone HL

NSHL; dominant, DFNA9